The following is an entry in ClinVar:

ClinVar aggregate classification (germline): Uncertain significance (1 of 4 stars; one submission).

Submission:

Labcorp Genetics (formerly Invitae), Labcorp
Classification: Uncertain significance. Last evaluated: 2024-06-22. Review status: criteria provided, single submitter. Criteria: Invitae Variant Classification Sherloc (09022015). Collection method: clinical testing. Allele origin: germline.
Comment: This sequence change creates a premature translational stop signal (p.Ser1372*) in the SAMD9L gene. While this is not anticipated to result in nonsense mediated decay, it is expected to disrupt the last 213 amino acid(s) of the SAMD9L protein. This variant is not present in population databases (gnomAD no frequency). This variant has not been reported in the literature in individuals affected with SAMD9L-related conditions. Experimental studies and prediction algorithms are not available or were not evaluated, and the functional significance of this variant is currently unknown. In summary, the available evidence is currently insufficient to determine the role of this variant in disease. Therefore, it has been classified as a Variant of Uncertain Significance.

NM_152703.5(SAMD9L):c.4115C>G (p.Ser1372Ter)

Gene: SAMD9L (sterile alpha motif domain containing 9 like; minus strand). Cytogenetic location: 7q21.2.
Variant type: single nucleotide variant.
Coding change: c.4115C>G on transcript NM_152703.5 (MANE Select); coding-DNA position 4115, C replaced by G.
Protein change: p.Ser1372Ter; replaces serine 1372 with a stop codon.
Molecular consequence: nonsense.
Genome position (GRCh38, 1-based): chr7:93,131,857, G>C on the plus strand (C>G on the coding strand, the complement: SAMD9L is on the minus strand). VCF-style: chr7-93131857-G-C. GRCh37 (hg19) VCF-style: chr7-92761170-G-C.
Other names: c.4115C>G, p.Ser1372Ter (NM_001303496.3, NM_001303497.3, NM_001303498.3 and 5 more transcripts); short protein forms S1372*.
Identifiers: ClinVar variation 3653685 (VCV003653685.2).